The following is an entry in ClinVar:

NM_020529.3(NFKBIA):c.*2C>T

Gene: NFKBIA (NFKB inhibitor alpha; minus strand). Cytogenetic location: 14q13.2.
Variant type: single nucleotide variant.
Coding change: c.*2C>T on transcript NM_020529.3 (MANE Select); 2 bases downstream of the stop codon, C replaced by T.
Molecular consequence: 3 prime UTR variant.
Genome position (GRCh38, 1-based): chr14:35,402,011, G>A on the plus strand (C>T on the coding strand, the complement: NFKBIA is on the minus strand). VCF-style: chr14-35402011-G-A. GRCh37 (hg19) VCF-style: chr14-35871217-G-A.
Identifiers: ClinVar variation 313108 (VCV000313108.19), dbSNP rs8904, ClinGen allele CA7155295.
Genomic context (GRCh38, chr14:35,402,011, plus strand): 5'-GAAAAATAAAACTTTTTTTTTGTACAAATATACAAGTCCATGTTCTTTCAGCCCCTTTGC[G>A]CTCATAACGTCAGACGCTGGCCTCCAAACACACAGTCATCATAGGGCAGCTGAAAACAAG-3'

ClinVar aggregate classification (germline): Benign/Likely benign. Review status: criteria provided, multiple submitters, no conflicts (2 of 4 stars). 9 submissions from 9 submitters: Benign (8); Likely benign (1). Last evaluated 2026-01-21.

Conditions:
Ectodermal dysplasia and immunodeficiency 2. Identifiers: Orphanet 238468, Orphanet 98813, MedGen C2677481, MONDO:0012806, OMIM 612132.

Allele frequency attached by ClinVar (database versions not stated): ExAC 0.40110; TOPMed 0.43526; gnomAD 0.43896 and 0.44154; ESP Exome Variant Server 0.44487; 1000 Genomes Project 0.44788; 1000 Genomes Project 30x 0.45550.
gnomAD v4.1: 617,125 of 1,611,958 alleles (38%); highest among the groups gnomAD compares: African/African-American, 60%; 121,408 homozygotes.

Submissions (9):

Women's Health and Genetics/Laboratory Corporation of America, LabCorp
Classification: Benign. Last evaluated: 2026-01-21. Review status: criteria provided, single submitter. Criteria: LabCorp Variant Classification Summary - May 2015. Collection method: clinical testing. Allele origin: germline.

Blueprint Genetics
Classification: Likely benign. Last evaluated: 2024-11-27. Review status: criteria provided, single submitter. Criteria: ACMG Guidelines, 2015. Collection method: clinical testing. Allele origin: germline.

Unidad de Genómica Garrahan, Hospital de Pediatría Garrahan
Classification: Benign. Last evaluated: 2023-11-12. Review status: criteria provided, single submitter. Criteria: ACMG Guidelines, 2015. Collection method: clinical testing. Allele origin: germline. Affected: no. Observed: 54 variant alleles.
Comment: This variant is classified as Benign based on local population frequency. This variant was detected in 56% of patients studied by a panel of primary immunodeficiencies. Number of patients: 54. Only high quality variants are reported.

Genome-Nilou Lab
Classification: Benign for Ectodermal dysplasia and immunodeficiency 2. Last evaluated: 2021-09-05. Review status: criteria provided, single submitter. Criteria: ACMG Guidelines, 2015. Collection method: clinical testing. Allele origin: germline. Affected: no.

GeneDx
Classification: Benign. Last evaluated: 2018-11-12. Review status: criteria provided, single submitter. Criteria: GeneDx Variant Classification Process June 2021. Collection method: clinical testing. Allele origin: germline. Affected: yes.

Mayo Clinic Laboratories, Mayo Clinic
Classification: Benign. Last evaluated: 2018-03-21. Review status: criteria provided, single submitter. Criteria: ACMG Guidelines, 2015. Collection method: clinical testing. Allele origin: germline. Observed: 123 variant alleles.

Illumina Laboratory Services, Illumina
Classification: Benign for Ectodermal dysplasia and immunodeficiency 2. Last evaluated: 2018-01-13. Review status: criteria provided, single submitter. Criteria: ICSL Variant Classification Criteria 13 December 2019. Collection method: clinical testing. Allele origin: germline.
Comment: This variant was observed in the ICSL laboratory as part of a predisposition screen in an ostensibly healthy population. It had not been previously curated by ICSL or reported in the Human Gene Mutation Database (HGMD: prior to June 1st, 2018), and was therefore a candidate for classification through an automated scoring system. Utilizing variant allele frequency, disease prevalence and penetrance estimates, and inheritance mode, an automated score was calculated to assess if this variant is too frequent to cause the disease. Based on the score and internal cut-off values, a variant classified as benign is not then subjected to further curation. The score for this variant resulted in a classification of benign for this disease.

Laboratory for Molecular Medicine, Mass General Brigham Personalized Medicine
Classification: Benign. Last evaluated: 2016-03-29. Review status: criteria provided, single submitter. Criteria: LMM Criteria. Collection method: clinical testing. Allele origin: germline.
Comment: Variant identified in a genome or exome case(s) and assessed due to predicted null impact of the variant or pathogenic assertions in the literature or databases. Disclaimer: This variant has not undergone full assessment. The following are preliminary notes: Frequency

Breakthrough Genomics
Classification: Benign. Review status: criteria provided, single submitter. Criteria: ACMG Guidelines, 2015. Collection method: not provided. Allele origin: germline. Inheritance: Autosomal dominant inheritance. Affected: yes.